The following is an entry in ClinVar:

ClinVar aggregate classification (germline): Uncertain significance (1 of 4 stars; one submission).

Conditions:
Ataxia-telangiectasia syndrome (AT). Also called: AT, COMPLEMENTATION GROUP C; Ataxia telangiectasia (A-T); Cerebello-oculocutaneous telangiectasia; Immunodeficiency with ataxia telangiectasia; LOUIS-BAR SYNDROME; Ataxia-telangiectasia. Identifiers: Orphanet 100, MedGen C0004135, MONDO:0008840, OMIM 208900.

Submission:

Labcorp Genetics (formerly Invitae), Labcorp
Classification: Uncertain significance for Ataxia-telangiectasia syndrome. Last evaluated: 2019-07-31. Review status: criteria provided, single submitter. Criteria: Invitae Variant Classification Sherloc (09022015). Collection method: clinical testing. Allele origin: germline.
Comment: In summary, the available evidence is currently insufficient to determine the role of this variant in disease. Therefore, it has been classified as a Variant of Uncertain Significance. Nucleotide substitutions within the consensus splice site are a relatively common cause of aberrant splicing (PMID: 17576681, 9536098). Algorithms developed to predict the effect of sequence changes on RNA splicing suggest that this variant is not likely to affect RNA splicing, but this prediction has not been confirmed by published transcriptional studies. This variant has not been reported in the literature in individuals with ATM-related conditions. This variant is not present in population databases (ExAC no frequency). This sequence change falls in intron 8 of the ATM gene. It does not directly change the encoded amino acid sequence of the ATM protein, but it affects a nucleotide within the consensus splice site of the intron.

Literature cited by the submitters: PubMed 17576681; PubMed 9536098.

NM_000051.4(ATM):c.1065+5A>C

Gene: ATM (ATM serine/threonine kinase; plus strand). Cytogenetic location: 11q22.3.
Variant type: single nucleotide variant.
Coding change: c.1065+5A>C on transcript NM_000051.4 (MANE Select); 5 bases into the intron after coding-DNA position 1065, A replaced by C.
Molecular consequence: intron variant.
Genome position (GRCh38, 1-based): chr11:108,247,132, A>C. VCF-style: chr11-108247132-A-C. GRCh37 (hg19) VCF-style: chr11-108117859-A-C.
Other names: c.1065+5A>C (NM_001351834.2).
Identifiers: ClinVar variation 959634 (VCV000959634.9), dbSNP rs1204741025, ClinGen allele CA1139662274.
Genomic context (GRCh38, chr11:108,247,132, plus strand): 5'-GTAATATTGCCGTCAAAGAAAATTTGATTGAATTGATGGCAGATATCTGTCACCAGGTAC[A>C]GTAAGTAGGTCATGTCACATTTAGAAATTTCCTGTTAATTTTTTTTTTAAACTGGGCATT-3'